The following is an entry in ClinVar:

NM_001290060.2(SEMA3B):c.645C>G (p.His215Gln)

Gene: SEMA3B (semaphorin 3B; plus strand). Cytogenetic location: 3p21.31.
Variant type: single nucleotide variant.
Coding change: c.645C>G on transcript NM_001290060.2 (MANE Select); coding-DNA position 645, C replaced by G.
Protein change: p.His215Gln; replaces histidine 215 with glutamine.
Molecular consequence: missense variant.
Genome position (GRCh38, 1-based): chr3:50,271,461, C>G. VCF-style: chr3-50271461-C-G. GRCh37 (hg19) VCF-style: chr3-50308892-C-G.
Other names: c.645C>G, p.His215Gln (NM_001005914.3, NM_001290061.1, NM_001435956.1 and 3 more transcripts); short protein forms H215Q.
Identifiers: ClinVar variation 4994955 (VCV004994955.1).

ClinVar aggregate classification (germline): Uncertain significance (1 of 4 stars; one submission).

Conditions:
SEMA3B-related disorder. Also called: SEMA3B-related condition.

gnomAD v4.1: 2 of 1,570,414 alleles (0.00013%); highest among the groups gnomAD compares: Non-Finnish European, 0.00017%; no homozygotes.

Submission:

PreventionGenetics, part of Exact Sciences
Classification: Uncertain significance for SEMA3B-related condition. Last evaluated: 2025-09-05. Review status: criteria provided, single submitter. Criteria: ACMG Guidelines, 2015. Collection method: clinical testing. Allele origin: germline.
Comment: The SEMA3B c.645C>G variant is predicted to result in the amino acid substitution p.His215Gln. To our knowledge, this variant has not been reported in the literature. This variant is reported in 0.0013% of alleles in individuals of European (Non-Finnish) descent in gnomAD. At this time, the clinical significance of this variant is uncertain due to the absence of conclusive functional and genetic evidence.